The following is an entry in ClinVar:

NM_032730.5(RTN4IP1):c.-328G>T

Gene: RTN4IP1 (reticulon 4 interacting protein 1; minus strand). Cytogenetic location: 6q21.
Variant type: single nucleotide variant.
Coding change: c.-328G>T on transcript NM_032730.5 (MANE Select); 328 bases upstream of the start codon, G replaced by T.
Molecular consequence: 5 prime UTR variant. On other transcripts: intron variant (1).
Genome position (GRCh38, 1-based): chr6:106,629,349, C>A on the plus strand (G>T on the coding strand, the complement: RTN4IP1 is on the minus strand). VCF-style: chr6-106629349-C-A. GRCh37 (hg19) VCF-style: chr6-107077224-C-A.
Other names: c.-27+978G>T (NM_001318746.1).
Identifiers: ClinVar variation 2431466 (VCV002431466.1), dbSNP rs1462851684, ClinGen allele CA1092830790.

ClinVar aggregate classification (germline): Uncertain significance (1 of 4 stars; one submission).

Conditions:
Optic atrophy 10 with or without ataxia, impaired intellectual development, and seizures. Also called: Optic atrophy 10 with or without ataxia, intellectual disability, and seizures; OPTIC ATROPHY 10 WITH OR WITHOUT ATAXIA, MENTAL RETARDATION, AND SEIZURES. Identifiers: MedGen C4225227, MONDO:0020737, OMIM 616732.

Submission:

Laboratorio de Genetica e Diagnostico Molecular, Hospital Israelita Albert Einstein
Classification: Uncertain significance for Optic atrophy 10 with or without ataxia, impaired intellectual development, and seizures. Last evaluated: 2022-10-29. Review status: criteria provided, single submitter. Criteria: ACMG Guidelines, 2015. Collection method: clinical testing. Allele origin: germline. Affected: yes. Observed: 1 variant allele.
Comment: ACMG classification criteria: PM2 moderated, PM3 supporting